The following is an entry in ClinVar:

NM_198282.4(STING1):c.275C>A (p.Pro92His)

Genes: STING1 (stimulator of interferon response cGAMP interactor 1; minus strand), LOC123522803 (Sharpr-MPRA regulatory region 11914; plus strand). Cytogenetic location: 5q31.2.
Variant type: single nucleotide variant.
Coding change: c.275C>A on transcript NM_198282.4 (MANE Select); coding-DNA position 275, C replaced by A.
Protein change: p.Pro92His; replaces proline 92 with histidine.
Molecular consequence: missense variant. On other transcripts: 5 prime UTR variant (1).
Genome position (GRCh38, 1-based): chr5:139,481,295, G>T on the plus strand (C>A on the coding strand, the complement: STING1 is on the minus strand). VCF-style: chr5-139481295-G-T. GRCh37 (hg19) VCF-style: chr5-138860880-G-T.
Other names: c.275C>A, p.Pro92His (NM_001301738.2); c.-83C>A (NM_001367258.1); short protein forms P92H.
Identifiers: ClinVar variation 1680268 (VCV001680268.6), dbSNP rs1428188237, ClinGen allele CA361481492.

ClinVar aggregate classification (germline): Uncertain significance (1 of 4 stars; one submission).

Conditions:
STING-associated vasculopathy with onset in infancy. Also called: Sting-associated vasculopathy, infantile-onset. Identifiers: Orphanet 425120, MedGen C4014722, MONDO:0014405, OMIM 615934.

Submission:

Labcorp Genetics (formerly Invitae), Labcorp
Classification: Uncertain significance for STING-associated vasculopathy with onset in infancy. Last evaluated: 2022-09-01. Review status: criteria provided, single submitter. Criteria: Invitae Variant Classification Sherloc (09022015). Collection method: clinical testing. Allele origin: germline.
Comment: This sequence change replaces proline, which is neutral and non-polar, with histidine, which is basic and polar, at codon 92 of the TMEM173 protein (p.Pro92His). This variant is present in population databases (no rsID available, gnomAD 0.01%). This variant has not been reported in the literature in individuals affected with TMEM173-related conditions. ClinVar contains an entry for this variant (Variation ID: 1680268). Algorithms developed to predict the effect of missense changes on protein structure and function are either unavailable or do not agree on the potential impact of this missense change (SIFT: "Deleterious"; PolyPhen-2: "Probably Damaging"; Align-GVGD: "Class C0"). In summary, the available evidence is currently insufficient to determine the role of this variant in disease. Therefore, it has been classified as a Variant of Uncertain Significance.